The following is an entry in ClinVar:

NM_006348.5(COG5):c.1412C>T (p.Pro471Leu)

Gene: COG5 (component of oligomeric golgi complex 5; minus strand). Cytogenetic location: 7q22.3.
Variant type: single nucleotide variant.
Coding change: c.1412C>T on transcript NM_006348.5 (MANE Select); coding-DNA position 1412, C replaced by T.
Protein change: p.Pro471Leu; replaces proline 471 with leucine.
Molecular consequence: missense variant. On other transcripts: intron variant (1).
Genome position (GRCh38, 1-based): chr7:107,283,634, G>A on the plus strand (C>T on the coding strand, the complement: COG5 is on the minus strand). VCF-style: chr7-107283634-G-A. GRCh37 (hg19) VCF-style: chr7-106924079-G-A.
Other names: c.1412C>T, p.Pro471Leu (NM_001161520.2, NM_001379512.1, NM_001379513.1 and 2 more transcripts); c.842C>T, p.Pro281Leu (NM_001379515.1); c.698C>T, p.Pro233Leu (NM_001379516.1); c.1314-2235C>T (NM_001379511.1); short protein forms P281L, P233L, P471L.
Identifiers: ClinVar variation 1358057 (VCV001358057.8), dbSNP rs2116813555, ClinGen allele CA368938146.
Genomic context (GRCh38, chr7:107,283,634, plus strand): 5'-GCTATAGTTTTAATAATACCATCAAGTTCATCAGAGGAAGGAGGATTACGACCACCCGGG[G>A]GAAAAACCAAGTTGATAGGATCGAAGAGTCGAGATAAGGATTTTGATAGATAAGCAGCCT-3'
Protein context (NP_006339.4, residues 461-481): RLFDPINLVF[Pro471Leu]PGGRNPPSSD

ClinVar aggregate classification (germline): Uncertain significance (1 of 4 stars; one submission).

Conditions:
COG5-congenital disorder of glycosylation. Also called: CDG IIi; CONGENITAL DISORDER OF GLYCOSYLATION, TYPE IIi; COG5-CDG. Identifiers: Orphanet 263487, MedGen C3150876, MONDO:0013325, OMIM 613612.

gnomAD v4.1: 2 of 1,613,896 alleles (0.00012%); highest among the groups gnomAD compares: Non-Finnish European, 0.00017%; no homozygotes.

Submission:

Labcorp Genetics (formerly Invitae), Labcorp
Classification: Uncertain significance for COG5-congenital disorder of glycosylation. Last evaluated: 2021-06-01. Review status: criteria provided, single submitter. Criteria: Invitae Variant Classification Sherloc (09022015). Collection method: clinical testing. Allele origin: germline.
Comment: In summary, the available evidence is currently insufficient to determine the role of this variant in disease. Therefore, it has been classified as a Variant of Uncertain Significance. Algorithms developed to predict the effect of missense changes on protein structure and function are either unavailable or do not agree on the potential impact of this missense change (SIFT: "Tolerated"; PolyPhen-2: "Possibly Damaging"; Align-GVGD: "Class C0"). This variant has not been reported in the literature in individuals with COG5-related conditions. This variant is not present in population databases (ExAC no frequency). This sequence change replaces proline with leucine at codon 502 of the COG5 protein (p.Pro502Leu). The proline residue is highly conserved and there is a moderate physicochemical difference between proline and leucine.